The following is an entry in ClinVar:

ClinVar aggregate classification (germline): Uncertain significance (1 of 4 stars; one submission).

Conditions:
Epilepsy, progressive myoclonic, 1B. Also called: PME. Identifiers: Orphanet 308, MedGen C2676254, MONDO:0012904, OMIM 612437.

Allele frequency attached by ClinVar (database versions not stated): TOPMed below 0.00001; gnomAD 0.00001.

Submission:

Labcorp Genetics (formerly Invitae), Labcorp
Classification: Uncertain significance for Epilepsy, progressive myoclonic, 1B. Last evaluated: 2018-08-10. Review status: criteria provided, single submitter. Criteria: Invitae Variant Classification Sherloc (09022015). Collection method: clinical testing. Allele origin: germline.
Comment: In summary, the available evidence is currently insufficient to determine the role of this variant in disease. Therefore, it has been classified as a Variant of Uncertain Significance. Algorithms developed to predict the effect of missense changes on protein structure and function are either unavailable or do not agree on the potential impact of this missense change (SIFT: "Deleterious"; PolyPhen-2: "Probably Damaging"; Align-GVGD: "Class C0"). This variant has not been reported in the literature in individuals with PRICKLE1-related disease. This variant is not present in population databases (ExAC no frequency). This sequence change replaces leucine with phenylalanine at codon 419 of the PRICKLE1 protein (p.Leu419Phe). The leucine residue is highly conserved and there is a small physicochemical difference between leucine and phenylalanine.

NM_153026.3(PRICKLE1):c.1255C>T (p.Leu419Phe)

Genes: PRICKLE1 (prickle planar cell polarity protein 1; minus strand), LOC126861509 (BRD4-independent group 4 enhancer GRCh37_chr12:42858567-42859766; plus strand). Cytogenetic location: 12q12.
Variant type: single nucleotide variant.
Coding change: c.1255C>T on transcript NM_153026.3 (MANE Select); coding-DNA position 1255, C replaced by T.
Protein change: p.Leu419Phe; replaces leucine 419 with phenylalanine.
Molecular consequence: missense variant.
Genome position (GRCh38, 1-based): chr12:42,464,779, G>A on the plus strand (C>T on the coding strand, the complement: PRICKLE1 is on the minus strand). VCF-style: chr12-42464779-G-A. GRCh37 (hg19) VCF-style: chr12-42858581-G-A.
Other names: c.1255C>T, p.Leu419Phe (NM_001144881.2, NM_001144882.2, NM_001144883.2); short protein forms L419F.
Identifiers: ClinVar variation 657696 (VCV000657696.9), dbSNP rs1261183051, ClinGen allele CA384442112.